The following is an entry in ClinVar:

ClinVar aggregate classification (germline): Uncertain significance (1 of 4 stars; one submission).

Submission:

Labcorp Genetics (formerly Invitae), Labcorp
Classification: Uncertain significance. Last evaluated: 2025-02-20. Review status: criteria provided, single submitter. Criteria: Invitae Variant Classification Sherloc (09022015). Collection method: clinical testing. Allele origin: germline.
Comment: This sequence change affects codon 399 of the NEDD4L mRNA. It is a 'silent' change, meaning that it does not change the encoded amino acid sequence of the NEDD4L protein. This variant also falls at the last nucleotide of exon 13, which is part of the consensus splice site for this exon. This variant is not present in population databases (gnomAD no frequency). This variant has not been reported in the literature in individuals affected with NEDD4L-related conditions. Variants that disrupt the consensus splice site are a relatively common cause of aberrant splicing (PMID: 17576681, 9536098). Algorithms developed to predict the effect of sequence changes on RNA splicing suggest that this variant may disrupt the consensus splice site. In summary, the available evidence is currently insufficient to determine the role of this variant in disease. Therefore, it has been classified as a Variant of Uncertain Significance.

Literature cited by the submitters: PubMed 17576681; PubMed 9536098.

NM_001144967.3(NEDD4L):c.1257G>A (p.Gln419=)

Gene: NEDD4L (NEDD4 like E3 ubiquitin protein ligase; plus strand). Cytogenetic location: 18q21.31.
Variant type: single nucleotide variant.
Coding change: c.1257G>A on transcript NM_001144967.3 (MANE Select); coding-DNA position 1257, G replaced by A.
Protein change: p.Gln419=; no amino-acid change (glutamine 419 retained).
Molecular consequence: synonymous variant. On other transcripts: intron variant (1).
Genome position (GRCh38, 1-based): chr18:58,341,169, G>A. VCF-style: chr18-58341169-G-A. GRCh37 (hg19) VCF-style: chr18-56008401-G-A.
Other names: c.894G>A, p.Gln298= (NM_001144964.1, NM_001144965.2, NM_001144966.3); c.1233G>A, p.Gln411= (NM_001144968.2); c.1173G>A, p.Gln391= (NM_001144969.2); c.834G>A, p.Gln278= (NM_001144970.3, NM_001144971.2); c.2094G>A, p.Gln698= (NM_001437337.1); c.1197G>A, p.Gln399= (NM_015277.6); c.1066-509G>A (NM_001243960.2).
Identifiers: ClinVar variation 4713578 (VCV004713578.1).
Genomic context (GRCh38, chr18:58,341,169, plus strand): 5'-GCGCACATACTATGTCAATCATAACAATCGAACCACAACTTGGACTCGACCTATCATGCA[G>A]GTACGAAGATTGCCATCCAACTTAAAACCGCAGGCCATAGAAGCCGAAATGTACATGACC-3'
Protein context (NP_001138439.1, residues 409-429): RTTTWTRPIM[Gln419=]LAEDGASGSA